The following is an entry in ClinVar:

ClinVar aggregate classification (germline): Uncertain significance (1 of 4 stars; one submission).

Allele frequency attached by ClinVar (database versions not stated): TOPMed below 0.00001; ExAC 0.00001; gnomAD 0.00001; gnomAD exomes 0.00001.
gnomAD v4.1: 6 of 1,612,786 alleles (0.00037%); highest among the groups gnomAD compares: Non-Finnish European, 0.00051%; no homozygotes.

Submission:

Labcorp Genetics (formerly Invitae), Labcorp
Classification: Uncertain significance. Last evaluated: 2025-10-21. Review status: criteria provided, single submitter. Criteria: Invitae Variant Classification Sherloc (09022015). Collection method: clinical testing. Allele origin: germline.
Comment: This sequence change replaces valine, which is neutral and non-polar, with alanine, which is neutral and non-polar, at codon 372 of the TONSL protein (p.Val372Ala). This variant is present in population databases (rs758895412, gnomAD 0.0009%). This variant has not been reported in the literature in individuals affected with TONSL-related conditions. ClinVar contains an entry for this variant (Variation ID: 1949755). Invitae Evidence Modeling of protein sequence and biophysical properties (such as structural, functional, and spatial information, amino acid conservation, physicochemical variation, residue mobility, and thermodynamic stability) indicates that this missense variant is expected to disrupt TONSL protein function with a positive predictive value of 80%. In summary, the available evidence is currently insufficient to determine the role of this variant in disease. Therefore, it has been classified as a Variant of Uncertain Significance.

NM_013432.5(TONSL):c.1115T>C (p.Val372Ala)

Gene: TONSL (tonsoku like, DNA repair protein; minus strand). Cytogenetic location: 8q24.3.
Variant type: single nucleotide variant.
Coding change: c.1115T>C on transcript NM_013432.5 (MANE Select); coding-DNA position 1115, T replaced by C.
Protein change: p.Val372Ala; replaces valine 372 with alanine.
Molecular consequence: missense variant.
Genome position (GRCh38, 1-based): chr8:144,440,767, A>G on the plus strand (T>C on the coding strand, the complement: TONSL is on the minus strand). VCF-style: chr8-144440767-A-G. GRCh37 (hg19) VCF-style: chr8-145666150-A-G.
Other names: short protein forms V372A.
Identifiers: ClinVar variation 1949755 (VCV001949755.5), dbSNP rs758895412, ClinGen allele CA4943388.